The following is an entry in ClinVar:

NM_004991.4(MECOM):c.992C>T (p.Pro331Leu)

Gene: MECOM (MDS1 and EVI1 complex locus; minus strand). Cytogenetic location: 3q26.2.
Variant type: single nucleotide variant.
Coding change: c.992C>T on transcript NM_004991.4 (MANE Select); coding-DNA position 992, C replaced by T.
Protein change: p.Pro331Leu; replaces proline 331 with leucine.
Molecular consequence: missense variant.
Genome position (GRCh38, 1-based): chr3:169,121,196, G>A on the plus strand (C>T on the coding strand, the complement: MECOM is on the minus strand). VCF-style: chr3-169121196-G-A. GRCh37 (hg19) VCF-style: chr3-168838984-G-A.
Other names: c.623C>T, p.Pro208Leu (NM_001105077.4); c.428C>T, p.Pro143Leu (NM_001105078.4, NM_001164000.2, NM_001205194.2 and 5 more transcripts); c.431C>T, p.Pro144Leu (NM_001163999.2, NM_001366467.2, NM_001366468.2 and 1 more transcripts); c.992C>T, p.Pro331Leu (NM_001366466.2, NM_001366473.2); short protein forms P143L, P144L, P208L, P331L.
Identifiers: ClinVar variation 4859723 (VCV004859723.1).
Genomic context (GRCh38, chr3:169,121,196, plus strand): 5'-GGGCATGCATGGGCCCGGGCACCGACATGCTGAGAGCGAATGTGCCGCTGAAGGTTGCTA[G>A]GGTCCGTGAAAACCTGCTAGGAAATGAGTACTGATTAATCAAGAAACTTAACTCAAGGGC-3'
Protein context (NP_004982.2, residues 321-341): CENCAKVFTD[Pro331Leu]SNLQRHIRSQ

ClinVar aggregate classification (germline): Uncertain significance (1 of 4 stars; one submission).

Conditions:
Inborn genetic diseases. Identifiers: MedGen C0950123, MeSH D030342.

Submission:

Ambry Genetics
Classification: Uncertain significance for Inborn genetic diseases. Last evaluated: 2026-04-05. Review status: criteria provided, single submitter. Criteria: Ambry Variant Classification Scheme 2023. Collection method: clinical testing. Allele origin: germline.
Comment: The p.P331L variant (also known as c.992C>T), located in coding exon 7 of the MECOM gene, results from a C to T substitution at nucleotide position 992. The proline at codon 331 is replaced by leucine, an amino acid with similar properties. This amino acid position is conserved. In addition, this alteration is predicted to be deleterious by in silico analysis. Based on the available evidence, the clinical significance of this variant remains unclear.